The following is an entry in ClinVar:

ClinVar aggregate classification (germline): Uncertain significance. Review status: criteria provided, multiple submitters, no conflicts (2 of 4 stars). 2 submissions from 2 submitters: Uncertain significance (2). Last evaluated 2026-01-11.

Conditions:
Cardiovascular phenotype. Identifiers: MedGen CN230736.

Allele frequency attached by ClinVar (database versions not stated): gnomAD exomes below 0.00001; gnomAD 0.00001; ExAC 0.00001.

Submissions (2):

Labcorp Genetics (formerly Invitae), Labcorp
Classification: Uncertain significance. Last evaluated: 2026-01-11. Review status: criteria provided, single submitter. Criteria: Invitae Variant Classification Sherloc (09022015). Collection method: clinical testing. Allele origin: germline.
Comment: This sequence change replaces leucine, which is neutral and non-polar, with phenylalanine, which is neutral and non-polar, at codon 62 of the ALPK3 protein (p.Leu62Phe). This variant is present in population databases (rs775720199, gnomAD 0.0009%). This variant has not been reported in the literature in individuals affected with ALPK3-related conditions. ClinVar contains an entry for this variant (Variation ID: 2563941). An algorithm developed to predict the effect of missense changes on protein structure and function outputs the following: PolyPhen-2: "Possibly Damaging". The phenylalanine amino acid residue is found in multiple mammalian species, which suggests that this missense change does not adversely affect protein function. In summary, the available evidence is currently insufficient to determine the role of this variant in disease. Therefore, it has been classified as a Variant of Uncertain Significance.

Ambry Genetics
Classification: Uncertain significance for Cardiovascular phenotype. Last evaluated: 2025-04-15. Review status: criteria provided, single submitter. Criteria: Ambry Variant Classification Scheme 2023. Collection method: clinical testing. Allele origin: germline.

NC_000015.10:g.84817030C>T

Gene: ALPK3 (alpha kinase 3; plus strand). Cytogenetic location: 15q25.3.
Variant type: single nucleotide variant.
Genome position: GRCh38 VCF-style: chr15-84817030-C-T. GRCh37 (hg19) VCF-style: chr15-85360261-C-T.
Other names: short protein forms L62F.
Identifiers: ClinVar variation 2563941 (VCV002563941.6), dbSNP rs775720199, ClinGen allele CA7708810.